The following is an entry in ClinVar:

NM_001375524.1(TRRAP):c.2105C>A (p.Ser702Tyr)

Gene: TRRAP (transformation/transcription domain associated protein; plus strand). Cytogenetic location: 7q22.1.
Variant type: single nucleotide variant.
Coding change: c.2105C>A on transcript NM_001375524.1 (MANE Select); coding-DNA position 2105, C replaced by A.
Protein change: p.Ser702Tyr; replaces serine 702 with tyrosine.
Molecular consequence: missense variant.
Genome position (GRCh38, 1-based): chr7:98,912,119, C>A. VCF-style: chr7-98912119-C-A. GRCh37 (hg19) VCF-style: chr7-98509742-C-A.
Other names: c.2105C>A, p.Ser702Tyr (NM_001244580.2, NM_003496.4); short protein forms S702Y.
Identifiers: ClinVar variation 2635555 (VCV002635555.1), dbSNP rs2484719385, ClinGen allele CA368288542.
Genomic context (GRCh38, chr7:98,912,119, plus strand): 5'-CTGCTCTGTTTGCTACGATTCTGGTGGAATATCTCCTTGATCGCCTGCCAGAAATGGGCT[C>A]CAACGTGGAGCTCTCCAACCTGTACCTCAAGCTGTTCAAGCTGGTCTTTGGCTCTGTCTC-3'
Protein context (NP_001362453.1, residues 692-712): YLLDRLPEMG[Ser702Tyr]NVELSNLYLK

ClinVar aggregate classification (germline): Uncertain significance (1 of 4 stars; one submission).

Conditions:
TRRAP-related disorder. Also called: TRRAP-related condition.

Submission:

PreventionGenetics, part of Exact Sciences
Classification: Uncertain significance for TRRAP-related condition. Last evaluated: 2022-10-28. Review status: criteria provided, single submitter. Criteria: ACMG Guidelines, 2015. Collection method: clinical testing. Allele origin: germline.
Comment: The TRRAP c.2105C>A variant is predicted to result in the amino acid substitution p.Ser702Tyr. To our knowledge, this variant has not been reported in the literature or in a large population database, indicating this variant is rare. At this time, the clinical significance of this variant is uncertain due to the absence of conclusive functional and genetic evidence.